The following is an entry in ClinVar:

ClinVar aggregate classification (germline): Likely benign. Review status: criteria provided, multiple submitters, no conflicts (2 of 4 stars). 2 submissions from 2 submitters: Likely benign (2). Last evaluated 2025-07-13.

Conditions:
Malignant hyperthermia, susceptibility to, 5 (MHS5). Also called: CACNA1S-Related Malignant Hyperthermia Susceptibility. Identifiers: Orphanet 423, MedGen C1866077, MONDO:0011163, OMIM 601887.
Hypokalemic periodic paralysis, type 1. Also called: Hypokalemic Periodic Paralysis Type 1 (AD); HypoPP. Identifiers: Orphanet 681, MedGen C3714580, MONDO:0042979, OMIM 170400.

gnomAD v4.1: 3 of 1,613,826 alleles (0.00019%); highest among the groups gnomAD compares: Non-Finnish European, 0.00025%; no homozygotes.

Submissions (2):

Labcorp Genetics (formerly Invitae), Labcorp
Classification: Likely benign for Hypokalemic periodic paralysis, type 1; Malignant hyperthermia, susceptibility to, 5. Last evaluated: 2025-07-13. Review status: criteria provided, single submitter. Criteria: Invitae Variant Classification Sherloc (09022015). Collection method: clinical testing. Allele origin: germline.

All of Us Research Program, National Institutes of Health
Classification: Likely benign for Malignant hyperthermia, susceptibility to, 5. Last evaluated: 2023-08-28. Review status: criteria provided, single submitter. Criteria: ACMG Guidelines, 2015. Collection method: clinical testing. Allele origin: germline. Inheritance: Autosomal dominant inheritance. Observed: 1 variant allele, 1 heterozygote.
Comment: This study involves interpretation of variants in research participants for the purpose of population health screening. Participant phenotype was not available at the time of variant classification. Additional details can be found in publication PMID: 35346344, PMCID: PMC8962531

NM_000069.3(CACNA1S):c.1995C>G (p.Ala665=)

Gene: CACNA1S (calcium voltage-gated channel subunit alpha1 S; minus strand). Cytogenetic location: 1q32.1.
Variant type: single nucleotide variant.
Coding change: c.1995C>G on transcript NM_000069.3 (MANE Select); coding-DNA position 1995, C replaced by G.
Protein change: p.Ala665=; no amino-acid change (alanine 665 retained).
Molecular consequence: synonymous variant.
Genome position (GRCh38, 1-based): chr1:201,074,574, G>C on the plus strand (C>G on the coding strand, the complement: CACNA1S is on the minus strand). VCF-style: chr1-201074574-G-C. GRCh37 (hg19) VCF-style: chr1-201043702-G-C.
Identifiers: ClinVar variation 2927381 (VCV002927381.4), dbSNP rs16847664, ClinGen allele CA422688800.
Genomic context (GRCh38, chr1:201,074,574, plus strand): 5'-CTTCCTGCGTTTTTTCTCCTCAGCCTTGGCCTTCTGGGCAGAAGTCAGGCTCTCCGCCTC[G>C]GCCAGGTTGTCCACGGCAATGGCCAGGAAGACATTGAGCAGGATGTCTGAGCGGGTTTAG-3'
Protein context (NP_000060.2, residues 655-675): VFLAIAVDNL[Ala665=]EAESLTSAQK